The following is an entry in ClinVar:

NM_000327.4(ROM1):c.1043T>G (p.Leu348Arg)

Gene: ROM1 (retinal outer segment membrane protein 1; plus strand). Cytogenetic location: 11q12.3.
Variant type: single nucleotide variant.
Coding change: c.1043T>G on transcript NM_000327.4 (MANE Select); coding-DNA position 1043, T replaced by G.
Protein change: p.Leu348Arg; replaces leucine 348 with arginine.
Molecular consequence: missense variant.
Genome position (GRCh38, 1-based): chr11:62,614,826, T>G. VCF-style: chr11-62614826-T-G. GRCh37 (hg19) VCF-style: chr11-62382298-T-G.
Other names: short protein forms L348R.
Identifiers: ClinVar variation 2841594 (VCV002841594.3), dbSNP rs2496228454, ClinGen allele CA380973621.

ClinVar aggregate classification (germline): Uncertain significance (1 of 4 stars; one submission).

Submission:

Labcorp Genetics (formerly Invitae), Labcorp
Classification: Uncertain significance. Last evaluated: 2023-06-22. Review status: criteria provided, single submitter. Criteria: Invitae Variant Classification Sherloc (09022015). Collection method: clinical testing. Allele origin: germline.
Comment: In summary, the available evidence is currently insufficient to determine the role of this variant in disease. Therefore, it has been classified as a Variant of Uncertain Significance. This sequence change replaces leucine, which is neutral and non-polar, with arginine, which is basic and polar, at codon 348 of the ROM1 protein (p.Leu348Arg). This variant is not present in population databases (gnomAD no frequency). This variant has not been reported in the literature in individuals affected with ROM1-related conditions. An algorithm developed to predict the effect of missense changes on protein structure and function (PolyPhen-2) suggests that this variant is likely to be tolerated.